The following is an entry in ClinVar:

NM_005251.3(FOXC2):c.139C>T (p.Gln47Ter)

Genes: FOXC2 (forkhead box C2; plus strand), FOXC2-AS1 (FOXC2 antisense RNA 1; minus strand). Cytogenetic location: 16q24.1.
Variant type: single nucleotide variant.
Coding change: c.139C>T on transcript NM_005251.3 (MANE Select); coding-DNA position 139, C replaced by T.
Protein change: p.Gln47Ter; replaces glutamine 47 with a stop codon.
Molecular consequence: nonsense.
Genome position (GRCh38, 1-based): chr16:86,567,474, C>T. VCF-style: chr16-86567474-C-T. GRCh37 (hg19) VCF-style: chr16-86601080-C-T.
Other names: short protein forms Q47*.
Identifiers: ClinVar variation 4795486 (VCV004795486.1).

ClinVar aggregate classification (germline): Likely pathogenic (1 of 4 stars; one submission).

Submission:

GeneDx
Classification: Likely pathogenic. Last evaluated: 2025-08-16. Review status: criteria provided, single submitter. Criteria: GeneDx Variant Classification Process June 2021. Collection method: clinical testing. Allele origin: germline. Affected: yes.
Comment: Nonsense variant predicted to result in protein truncation, as the last 455 amino acids are lost, and other loss-of-function variants have been reported downstream in HGMD; Not observed at significant frequency in large population cohorts (gnomAD); Has not been previously published as pathogenic or benign to our knowledge